The following is an entry in ClinVar:

NM_001136193.2(FASTKD2):c.1234G>A (p.Asp412Asn)

Gene: FASTKD2 (FAST kinase domains 2; plus strand). Cytogenetic location: 2q33.3.
Variant type: single nucleotide variant.
Coding change: c.1234G>A on transcript NM_001136193.2 (MANE Select); coding-DNA position 1234, G replaced by A.
Protein change: p.Asp412Asn; replaces aspartic acid 412 with asparagine.
Molecular consequence: missense variant.
Genome position (GRCh38, 1-based): chr2:206,772,300, G>A. VCF-style: chr2-206772300-G-A. GRCh37 (hg19) VCF-style: chr2-207637024-G-A.
Other names: c.1234G>A (NM_014929.3); c.1234G>A, p.Asp412Asn (NM_001136194.2, NM_014929.4); short protein forms D412N.
Identifiers: ClinVar variation 1445504 (VCV001445504.7), dbSNP rs777758267, ClinGen allele CA2075096.

ClinVar aggregate classification (germline): Uncertain significance. Review status: criteria provided, multiple submitters, no conflicts (2 of 4 stars). 2 submissions from 2 submitters: Uncertain significance (2). Last evaluated 2025-11-11.

Conditions:
Inborn genetic diseases. Identifiers: MedGen C0950123, MeSH D030342.

Allele frequency attached by ClinVar (database versions not stated): ExAC 0.00001; gnomAD 0.00001.
gnomAD v4.1: 8 of 1,613,836 alleles (0.0005%); highest among the groups gnomAD compares: South Asian, 0.0044%; no homozygotes.

Submissions (2):

Ambry Genetics
Classification: Uncertain significance for Inborn genetic diseases. Last evaluated: 2025-11-11. Review status: criteria provided, single submitter. Criteria: Ambry Variant Classification Scheme 2023. Collection method: clinical testing. Allele origin: germline.

Labcorp Genetics (formerly Invitae), Labcorp
Classification: Uncertain significance. Last evaluated: 2024-10-24. Review status: criteria provided, single submitter. Criteria: Invitae Variant Classification Sherloc (09022015). Collection method: clinical testing. Allele origin: germline.
Comment: This sequence change replaces aspartic acid, which is acidic and polar, with asparagine, which is neutral and polar, at codon 412 of the FASTKD2 protein (p.Asp412Asn). This variant is present in population databases (rs777758267, gnomAD 0.006%). This variant has not been reported in the literature in individuals affected with FASTKD2-related conditions. ClinVar contains an entry for this variant (Variation ID: 1445504). Invitae Evidence Modeling of protein sequence and biophysical properties (such as structural, functional, and spatial information, amino acid conservation, physicochemical variation, residue mobility, and thermodynamic stability) indicates that this missense variant is expected to disrupt FASTKD2 protein function with a positive predictive value of 80%. In summary, the available evidence is currently insufficient to determine the role of this variant in disease. Therefore, it has been classified as a Variant of Uncertain Significance.